The following is an entry in ClinVar:

ClinVar aggregate classification (germline): Conflicting classifications of pathogenicity. Review status: criteria provided, conflicting classifications (1 of 4 stars). 5 submissions from 5 submitters: Pathogenic (1); Likely pathogenic (1); Uncertain significance (2). 1 of the submissions does not count toward it. Last evaluated 2026-02-27.

Conditions:
Congenital portosystemic shunt. Identifiers: Orphanet 480531, MedGen C1290495, MONDO:0018811.
RP1L1-related disorder. Also called: RP1L1-related condition.
Retinal dystrophy. Also called: Inherited retinal dystrophy. Identifiers: Orphanet 71862, MedGen C0854723, MeSH D058499, MONDO:0019118, HP:0000556.
Retinitis pigmentosa (RP). Identifiers: Orphanet 791, MedGen C0035334, MeSH D012174, MONDO:0019200, OMIM 268000. Inheritance: Autosomal dominant, autosomal recessive and X linked inheritance.

Allele frequency attached by ClinVar (database versions not stated): gnomAD 0.00001 and 0.00003; gnomAD exomes 0.00002; TOPMed 0.00002; ExAC 0.00003; 1000 Genomes Project 30x 0.00016; 1000 Genomes Project 0.00020.
gnomAD v4.1: 81 of 1,613,652 alleles (0.005%); highest among the groups gnomAD compares: East Asian, 0.14%; no homozygotes.

Submissions (5):

Department of Pediatrics, Graduate School of Medical Sciences, Kyushu University
Classification: Uncertain significance for Congenital portosystemic shunt. Last evaluated: 2026-02-27. Review status: criteria provided, single submitter. Criteria: ACMG Guidelines, 2015. Collection method: research. Allele origin: germline. Affected: yes.
Comment: The variant is rare in population databases. Although loss-of-function variants in this gene have been reported in other disorders, an association between this gene and CPSS has not been established. Therefore, the clinical significance of this variant in relation to CPSS is currently classified as a variant of uncertain significance (VUS).

PreventionGenetics, part of Exact Sciences
Classification: Likely pathogenic for RP1L1-related condition. Last evaluated: 2025-10-22. Review status: criteria provided, single submitter. Criteria: ACMG Guidelines, 2015. Collection method: clinical testing. Allele origin: germline.
Comment: The RP1L1 c.1972C>T variant is predicted to result in premature protein termination (p.Arg658*). This variant has been reported in the homozygous state in individuals with inherited retinal disease (see for example: Supplementary Table 5, Oishi et al. 2014. PubMed ID: 25324289; Table S8, Koyanagi et al. 2019. PubMed ID: 31213501; Table S1, Ma et al. 2021. PubMed ID: 33691693). This variant is reported in 0.031% of alleles in individuals of East Asian descent in gnomAD. Nonsense variants in RP1L1 are expected to be pathogenic. This variant is interpreted as likely pathogenic.

Dept Of Ophthalmology, Nagoya University
Classification: Uncertain significance for Retinal dystrophy. Last evaluated: 2023-10-01. Review status: criteria provided, single submitter. Criteria: Submitter's publication. Collection method: research. Allele origin: germline. Affected: yes.

Blueprint Genetics
Classification: Pathogenic for RP1L1-related disorders. Last evaluated: 2019-01-24. Review status: criteria provided, single submitter. Criteria: ACMG Guidelines, 2015. Collection method: clinical testing. Allele origin: germline. Affected: yes. Observed: 5 variant alleles.

Department of Ophthalmology and Visual Sciences Kyoto University
Classification: Likely pathogenic for Retinitis pigmentosa. Review status: no assertion criteria provided. Collection method: not provided. Allele origin: unknown. Not counted in ClinVar's aggregate classification.
ClinVar note: Converted during submission from probable-pathogenic to Likely pathogenic.

NM_178857.6(RP1L1):c.1972C>T (p.Arg658Ter)

Gene: RP1L1 (RP1 like 1). Cytogenetic location: 8p23.1.
Variant type: single nucleotide variant.
Coding change: c.1972C>T on transcript NM_178857.6 (MANE Select); coding-DNA position 1972, C replaced by T.
Protein change: p.Arg658Ter; replaces arginine 658 with a stop codon.
Molecular consequence: nonsense.
Genome position (GRCh38, 1-based): chr8:10,612,126, G>A on the plus strand (C>T on the coding strand, the complement: RP1L1 is on the minus strand). VCF-style: chr8-10612126-G-A. GRCh37 (hg19) VCF-style: chr8-10469636-G-A.
Other names: short protein forms R658*.
Identifiers: ClinVar variation 143164 (VCV000143164.7), dbSNP rs527236107, ClinGen allele CA270129.